The following is an entry in ClinVar:

NM_000069.3(CACNA1S):c.1939T>C (p.Cys647Arg)

Gene: CACNA1S (calcium voltage-gated channel subunit alpha1 S; minus strand). Cytogenetic location: 1q32.1.
Variant type: single nucleotide variant.
Coding change: c.1939T>C on transcript NM_000069.3 (MANE Select); coding-DNA position 1939, T replaced by C.
Protein change: p.Cys647Arg; replaces cysteine 647 with arginine.
Molecular consequence: missense variant.
Genome position (GRCh38, 1-based): chr1:201,075,504, A>G on the plus strand (T>C on the coding strand, the complement: CACNA1S is on the minus strand). VCF-style: chr1-201075504-A-G. GRCh37 (hg19) VCF-style: chr1-201044632-A-G.
Other names: c.1939T>C (NM_000069.2); short protein forms C647R.
Identifiers: ClinVar variation 1055173 (VCV001055173.8), dbSNP rs1160159381, ClinGen allele CA344116550.

ClinVar aggregate classification (germline): Uncertain significance. Review status: criteria provided, multiple submitters, no conflicts (2 of 4 stars). 2 submissions from 2 submitters: Uncertain significance (2). Last evaluated 2025-05-07.

Conditions:
Hypokalemic periodic paralysis, type 1. Also called: Hypokalemic Periodic Paralysis Type 1 (AD); HypoPP. Identifiers: Orphanet 681, MedGen C3714580, MONDO:0042979, OMIM 170400.
Malignant hyperthermia, susceptibility to, 5 (MHS5). Also called: CACNA1S-Related Malignant Hyperthermia Susceptibility. Identifiers: Orphanet 423, MedGen C1866077, MONDO:0011163, OMIM 601887.

Allele frequency attached by ClinVar (database versions not stated): gnomAD exomes below 0.00001; TOPMed below 0.00001.

Submissions (2):

GeneDx
Classification: Uncertain significance. Last evaluated: 2025-05-07. Review status: criteria provided, single submitter. Criteria: GeneDx Variant Classification Process June 2021. Collection method: clinical testing. Allele origin: germline. Affected: yes.
Comment: Not observed at significant frequency in large population cohorts (gnomAD); In silico analysis supports that this missense variant has a deleterious effect on protein structure/function; Has not been previously published as pathogenic or benign to our knowledge

Labcorp Genetics (formerly Invitae), Labcorp
Classification: Uncertain significance for Hypokalemic periodic paralysis, type 1; Malignant hyperthermia, susceptibility to, 5. Last evaluated: 2022-01-06. Review status: criteria provided, single submitter. Criteria: Invitae Variant Classification Sherloc (09022015). Collection method: clinical testing. Allele origin: germline.
Comment: This variant is present in population databases (no rsID available, gnomAD 0.0009%). This sequence change replaces cysteine, which is neutral and slightly polar, with arginine, which is basic and polar, at codon 647 of the CACNA1S protein (p.Cys647Arg). This variant has not been reported in the literature in individuals affected with CACNA1S-related conditions. In summary, the available evidence is currently insufficient to determine the role of this variant in disease. Therefore, it has been classified as a Variant of Uncertain Significance. Algorithms developed to predict the effect of missense changes on protein structure and function (SIFT, PolyPhen-2, Align-GVGD) all suggest that this variant is likely to be disruptive. ClinVar contains an entry for this variant (Variation ID: 1055173).